The following is an entry in ClinVar:

ClinVar aggregate classification (germline): Pathogenic/Likely pathogenic. Review status: criteria provided, multiple submitters, no conflicts (2 of 4 stars). 3 submissions from 3 submitters: Pathogenic (2); Likely pathogenic (1). Last evaluated 2025-07-10.

Conditions:
H syndrome. Also called: HISTIOCYTOSIS AND LYMPHADENOPATHY WITH OR WITHOUT CUTANEOUS, CARDIAC, AND/OR ENDOCRINE FEATURES, JOINT CONTRACTURES, AND/OR DEAFNESS; HYPERPIGMENTATION, CUTANEOUS, WITH HYPERTRICHOSIS, HEPATOSPLENOMEGALY, HEART ANOMALIES, AND HYPOGONADISM WITH OR WITHOUT HEARING LOSS; PIGMENTED HYPERTRICHOSIS WITH INSULIN-DEPENDENT DIABETES MELLITUS; ROSAI-DORFMAN DISEASE, FAMILIAL; SINUS HISTIOCYTOSIS AND MASSIVE LYMPHADENOPATHY; Hyperpigmentation, Cutaneous, with Hypertrichosis, Hepatosplenomegaly, Heart Anomalies, Hearing Loss, and Hypogonadism. Identifiers: Orphanet 168569, MedGen C1864445, MONDO:0011273, OMIM 602782.

Allele frequency attached by ClinVar (database versions not stated): TOPMed below 0.00001; gnomAD 0.00001; gnomAD exomes 0.00001 and 0.00002; ExAC 0.00002.

Submissions (3):

Labcorp Genetics (formerly Invitae), Labcorp
Classification: Pathogenic for H syndrome. Last evaluated: 2025-07-10. Review status: criteria provided, single submitter. Criteria: Invitae Variant Classification Sherloc (09022015). Collection method: clinical testing. Allele origin: germline.
Comment: This sequence change creates a premature translational stop signal (p.Gln410*) in the SLC29A3 gene. While this is not anticipated to result in nonsense mediated decay, it is expected to disrupt the last 66 amino acid(s) of the SLC29A3 protein. This variant is present in population databases (rs587780462, gnomAD 0.009%). This premature translational stop signal has been observed in individual(s) with autosomal recessive Histiocytosis-lymphadenopathy plus syndrome (PMID: 38965556). ClinVar contains an entry for this variant (Variation ID: 130338). This variant disrupts a region of the SLC29A3 protein in which other variant(s) (p.Gly437Arg)) have been determined to be pathogenic (PMID: 18940313, 20595384, 20619369, 29041934). This suggests that this is a clinically significant region of the protein, and that variants that disrupt it are likely to be disease-causing. For these reasons, this variant has been classified as Pathogenic.

GeneDx
Classification: Likely pathogenic. Last evaluated: 2022-11-10. Review status: criteria provided, single submitter. Criteria: GeneDx Variant Classification Process June 2021. Collection method: clinical testing. Allele origin: germline. Affected: yes.
Comment: Mentioned in published literature as a variant previously reported in ClinVar in association with histiocytosis-lymphadenopathy plus syndrome (Noavar et al., 2019), but no cases with detailed clinical and segregation information have been previously reported in published literature to our knowledge; Nonsense variant in the C-terminus predicted to result in protein truncation, as the last 85 amino acids are lost, and other loss-of-function variants have been reported downstream in the Human Gene Mutation Database (HGMD); This variant is associated with the following publications: (PMID: 31464584)

Genetic Services Laboratory, University of Chicago
Classification: Pathogenic for Histiocytosis-lymphadenopathy plus syndrome. Last evaluated: 2014-02-03. Review status: criteria provided, single submitter. Criteria: ACMG Guidelines, 2007. Collection method: clinical testing. Allele origin: germline. Inheritance: Autosomal recessive inheritance. Affected: yes.

Literature cited by the submitters: PubMed 38965556 (cited by Labcorp Genetics (formerly Invitae), Labcorp); PubMed 18940313 (cited by Labcorp Genetics (formerly Invitae), Labcorp); PubMed 20595384 (cited by Labcorp Genetics (formerly Invitae), Labcorp); PubMed 20619369 (cited by Labcorp Genetics (formerly Invitae), Labcorp); PubMed 29041934 (cited by Labcorp Genetics (formerly Invitae), Labcorp).

NM_018344.6(SLC29A3):c.1228C>T (p.Gln410Ter)

Gene: SLC29A3 (solute carrier family 29 member 3; plus strand). Cytogenetic location: 10q22.1.
Variant type: single nucleotide variant.
Coding change: c.1228C>T on transcript NM_018344.6 (MANE Select); coding-DNA position 1228, C replaced by T.
Protein change: p.Gln410Ter; replaces glutamine 410 with a stop codon.
Molecular consequence: nonsense. On other transcripts: 3 prime UTR variant (1), non-coding transcript variant (2).
Genome position (GRCh38, 1-based): chr10:71,362,408, C>T. VCF-style: chr10-71362408-C-T. GRCh37 (hg19) VCF-style: chr10-73122165-C-T.
Other names: c.*457C>T (NM_001174098.2); c.994C>T, p.Gln332Ter (NM_001363518.2); short protein forms Q410*, Q332*.
Identifiers: ClinVar variation 130338 (VCV000130338.9), dbSNP rs587780462, ClinGen allele CA155236.